The following is an entry in ClinVar:

NM_001286819.2(LETM2):c.1218+209T>C

Genes: LETM2 (leucine zipper and EF-hand containing transmembrane protein 2; plus strand), LOC102723716 (uncharacterized LOC102723716; minus strand). Cytogenetic location: 8p11.23.
Variant type: single nucleotide variant.
Coding change: c.1218+209T>C on transcript NM_001286819.2 (MANE Select); 209 bases into the intron after coding-DNA position 1218, T replaced by C.
Molecular consequence: intron variant.
Genome position (GRCh38, 1-based): chr8:38,404,715, T>C. VCF-style: chr8-38404715-T-C. GRCh37 (hg19) VCF-style: chr8-38262233-T-C.
Other names: c.675+209T>C (NM_001363204.1); c.609+209T>C (NM_001286787.2, NM_001363205.1, NM_001199660.3); c.1074+209T>C (NM_001330515.2); c.1077+209T>C (NM_001199659.3); c.933+209T>C (NM_144652.4).
Identifiers: ClinVar variation 1261324 (VCV001261324.3), dbSNP rs7001340, ClinGen allele CA12722184.
Genomic context (GRCh38, chr8:38,404,715, plus strand): 5'-AAAAAAACCAACCAACCAACCACAAACAAACAAAACAAAGGAAGGCCAGGCACAGTGGCT[T>C]ACGCCTGTAATCCCAGCACTTTGGGAGGCCGAGGTAGGTGGATCACCTGAGGTCAGGAGT-3'

ClinVar aggregate classification (germline): Benign. Review status: criteria provided, multiple submitters, no conflicts (2 of 4 stars). 2 submissions from 2 submitters: Benign (2). Last evaluated 2020-10-29.

Allele frequency attached by ClinVar (database versions not stated): 1000 Genomes Project 30x 0.19847; gnomAD 0.19919 and 0.20063; 1000 Genomes Project 0.20567; gnomAD exomes 0.20663; TOPMed 0.21011.
gnomAD v4.1: 105,118 of 513,832 alleles (20%); highest among the groups gnomAD compares: East Asian, 35%; 11,487 homozygotes.

Submissions (2):

GeneDx
Classification: Benign. Last evaluated: 2020-10-29. Review status: criteria provided, single submitter. Criteria: GeneDx Variant Classification Process June 2021. Collection method: clinical testing. Allele origin: germline. Affected: yes.
Comment: This variant is associated with the following publications: (PMID: 32747698)

Breakthrough Genomics
Classification: Benign. Review status: criteria provided, single submitter. Criteria: ACMG Guidelines, 2015. Collection method: not provided. Allele origin: germline. Inheritance: Unknown mechanism. Affected: yes.